The following is an entry in ClinVar:

NM_001378183.1(PIEZO2):c.5089+33A>C

Gene: PIEZO2 (piezo type mechanosensitive ion channel component 2; minus strand). Cytogenetic location: 18p11.22.
Variant type: single nucleotide variant.
Coding change: c.5089+33A>C on transcript NM_001378183.1 (MANE Select); 33 bases into the intron after coding-DNA position 5089, A replaced by C.
Molecular consequence: intron variant.
Genome position (GRCh38, 1-based): chr18:10,718,167, T>G on the plus strand (A>C on the coding strand, the complement: PIEZO2 is on the minus strand). VCF-style: chr18-10718167-T-G. GRCh37 (hg19) VCF-style: chr18-10718165-T-G.
Other names: c.4915+33A>C (NM_022068.4).
Identifiers: ClinVar variation 1707338 (VCV001707338.2), dbSNP rs542633607, ClinGen allele CA8892363.
Genomic context (GRCh38, chr18:10,718,167, plus strand): 5'-TCACAATTTTTCAGGCAGCCTTCCATTATATACGATCTGGGCAGGTATCATTTTCAAAGT[T>G]CCCACAGCTCATATTTGTCTTTATTTTGTTACCTGGTCCATCGGATTTCTTTTTGATTGG-3'

ClinVar aggregate classification (germline): Likely benign (1 of 4 stars; one submission).

Allele frequency attached by ClinVar (database versions not stated): gnomAD exomes 0.00030; ExAC 0.00103; 1000 Genomes Project 30x 0.00203; 1000 Genomes Project 0.00220; TOPMed 0.00324; gnomAD 0.00327.
gnomAD v4.1: 910 of 1,514,532 alleles (0.06%); highest among the groups gnomAD compares: African/African-American, 1.2%; 4 homozygotes.

Submission:

GeneDx
Classification: Likely benign. Last evaluated: 2019-02-04. Review status: criteria provided, single submitter. Criteria: GeneDx Variant Classification Process June 2021. Collection method: clinical testing. Allele origin: germline. Affected: yes.
Comment: See Variant Classification Assertion Criteria.